The following is an entry in ClinVar:

NM_017807.4(OSGEP):c.747G>A (p.Met249Ile)

Gene: OSGEP (O-sialoglycoprotein endopeptidase; minus strand). Cytogenetic location: 14q11.2.
Variant type: single nucleotide variant.
Coding change: c.747G>A on transcript NM_017807.4 (MANE Select); coding-DNA position 747, G replaced by A.
Protein change: p.Met249Ile; replaces methionine 249 with isoleucine.
Molecular consequence: missense variant.
Genome position (GRCh38, 1-based): chr14:20,447,950, C>T on the plus strand (G>A on the coding strand, the complement: OSGEP is on the minus strand). VCF-style: chr14-20447950-C-T. GRCh37 (hg19) VCF-style: chr14-20916109-C-T.
Other names: short protein forms M249I.
Identifiers: ClinVar variation 1969772 (VCV001969772.5), dbSNP rs776384882, ClinGen allele CA7081104.

ClinVar aggregate classification (germline): Uncertain significance (1 of 4 stars; one submission).

Allele frequency attached by ClinVar (database versions not stated): gnomAD exomes below 0.00001; ExAC 0.00001.
gnomAD v4.1: 5 of 1,614,084 alleles (0.00031%); highest among the groups gnomAD compares: Admixed American, 0.0033%; no homozygotes.

Submission:

Labcorp Genetics (formerly Invitae), Labcorp
Classification: Uncertain significance. Last evaluated: 2022-08-01. Review status: criteria provided, single submitter. Criteria: Invitae Variant Classification Sherloc (09022015). Collection method: clinical testing. Allele origin: germline.
Comment: This sequence change replaces methionine, which is neutral and non-polar, with isoleucine, which is neutral and non-polar, at codon 249 of the OSGEP protein (p.Met249Ile). This variant is not present in population databases (gnomAD no frequency). This variant has not been reported in the literature in individuals affected with OSGEP-related conditions. Algorithms developed to predict the effect of missense changes on protein structure and function (SIFT, PolyPhen-2, Align-GVGD) all suggest that this variant is likely to be tolerated. In summary, the available evidence is currently insufficient to determine the role of this variant in disease. Therefore, it has been classified as a Variant of Uncertain Significance.